The following is an entry in ClinVar:

NM_000260.4(MYO7A):c.1289G>A (p.Arg430His)

Gene: MYO7A (myosin VIIA; plus strand). Cytogenetic location: 11q13.5.
Variant type: single nucleotide variant.
Coding change: c.1289G>A on transcript NM_000260.4 (MANE Select); coding-DNA position 1289, G replaced by A.
Protein change: p.Arg430His; replaces arginine 430 with histidine.
Molecular consequence: missense variant.
Genome position (GRCh38, 1-based): chr11:77,161,061, G>A. VCF-style: chr11-77161061-G-A. GRCh37 (hg19) VCF-style: chr11-76872107-G-A.
Other names: c.1289G>A, p.Arg430His (NM_001127180.2); c.1256G>A, p.Arg419His (NM_001369365.1); c.1289G>A (NM_000260.3); short protein forms R419H, R430H.
Identifiers: ClinVar variation 2201484 (VCV002201484.4), dbSNP rs782246569, ClinGen allele CA6197446.

ClinVar aggregate classification (germline): Uncertain significance. Review status: criteria provided, multiple submitters, no conflicts (2 of 4 stars). 3 submissions from 3 submitters: Uncertain significance (3). Last evaluated 2026-09-01.

Allele frequency attached by ClinVar (database versions not stated): TOPMed 0.00002.

Submissions (3):

GeneDx
Classification: Uncertain significance. Last evaluated: 2026-09-01. Review status: criteria provided, single submitter. Criteria: GeneDx Variant Classification Process June 2021. Collection method: clinical testing. Allele origin: germline.
Comment: In silico analysis supports that this missense variant has a deleterious effect on protein structure/function; Has not been previously published as pathogenic or benign to our knowledge

Labcorp Genetics (formerly Invitae), Labcorp
Classification: Uncertain significance. Last evaluated: 2024-11-05. Review status: criteria provided, single submitter. Criteria: Invitae Variant Classification Sherloc (09022015). Collection method: clinical testing. Allele origin: germline.
Comment: This sequence change replaces arginine, which is basic and polar, with histidine, which is basic and polar, at codon 430 of the MYO7A protein (p.Arg430His). This variant is present in population databases (rs782246569, gnomAD 0.006%). This variant has not been reported in the literature in individuals affected with MYO7A-related conditions. ClinVar contains an entry for this variant (Variation ID: 2201484). Invitae Evidence Modeling of protein sequence and biophysical properties (such as structural, functional, and spatial information, amino acid conservation, physicochemical variation, residue mobility, and thermodynamic stability) indicates that this missense variant is not expected to disrupt MYO7A protein function with a negative predictive value of 95%. In summary, the available evidence is currently insufficient to determine the role of this variant in disease. Therefore, it has been classified as a Variant of Uncertain Significance.

Blueprint Genetics
Classification: Uncertain significance. Last evaluated: 2023-05-12. Review status: criteria provided, single submitter. Criteria: ACMG Guidelines, 2015. Collection method: clinical testing. Allele origin: germline.